The following is an entry in ClinVar:

NM_172201.2(KCNE2):c.112C>A (p.Gln38Lys)

Genes: KCNE2 (potassium voltage-gated channel subfamily E regulatory subunit 2; plus strand), LOC105372791 (uncharacterized LOC105372791; minus strand). Cytogenetic location: 21q22.11.
Variant type: single nucleotide variant.
Coding change: c.112C>A on transcript NM_172201.2 (MANE Select); coding-DNA position 112, C replaced by A.
Protein change: p.Gln38Lys; replaces glutamine 38 with lysine.
Molecular consequence: missense variant. On other transcripts: non-coding transcript variant (2).
Genome position (GRCh38, 1-based): chr21:34,370,590, C>A. VCF-style: chr21-34370590-C-A. GRCh37 (hg19) VCF-style: chr21-35742889-C-A.
Other names: short protein forms Q38K.
Identifiers: ClinVar variation 4841380 (VCV004841380.2).

ClinVar aggregate classification (germline): Uncertain significance. Review status: criteria provided, multiple submitters, no conflicts (2 of 4 stars). 2 submissions from 2 submitters: Uncertain significance (2). Last evaluated 2025-12-24.

Conditions:
Cardiovascular phenotype. Identifiers: MedGen CN230736.

gnomAD v4.1: 4 of 1,614,072 alleles (0.00025%); highest among the groups gnomAD compares: Non-Finnish European, 0.00034%; no homozygotes.

Submissions (2):

Ambry Genetics
Classification: Uncertain significance for Cardiovascular phenotype. Last evaluated: 2025-12-24. Review status: criteria provided, single submitter. Criteria: Ambry Variant Classification Scheme 2023. Collection method: clinical testing. Allele origin: germline.
Comment: The p.Q38K variant (also known as c.112C>A), located in coding exon 1 of the KCNE2 gene, results from a C to A substitution at nucleotide position 112. The glutamine at codon 38 is replaced by lysine, an amino acid with similar properties. This amino acid position is conserved. In addition, the in silico prediction for this alteration is inconclusive. Based on the available evidence, the clinical significance of this variant remains unclear.

Blueprint Genetics
Classification: Uncertain significance. Last evaluated: 2019-06-28. Review status: criteria provided, single submitter. Criteria: ACMG Guidelines, 2015. Collection method: clinical testing. Allele origin: germline.